The following is an entry in ClinVar:

ClinVar aggregate classification (germline): Uncertain significance (1 of 4 stars; one submission).

Conditions:
Familial hemophagocytic lymphohistiocytosis 5. Also called: STXBP2-Related Familial Hemophagocytic Lymphohistiocytosis (STXBP2-fHLH). Identifiers: Orphanet 540, MedGen C2751293, MONDO:0013135, OMIM 613101.

Submission:

Labcorp Genetics (formerly Invitae), Labcorp
Classification: Uncertain significance for Familial hemophagocytic lymphohistiocytosis 5. Last evaluated: 2024-11-05. Review status: criteria provided, single submitter. Criteria: Invitae Variant Classification Sherloc (09022015). Collection method: clinical testing. Allele origin: germline.
Comment: This sequence change replaces methionine, which is neutral and non-polar, with valine, which is neutral and non-polar, at codon 373 of the STXBP2 protein (p.Met373Val). This variant is not present in population databases (gnomAD no frequency). This variant has not been reported in the literature in individuals affected with STXBP2-related conditions. ClinVar contains an entry for this variant (Variation ID: 2014327). Invitae Evidence Modeling of protein sequence and biophysical properties (such as structural, functional, and spatial information, amino acid conservation, physicochemical variation, residue mobility, and thermodynamic stability) indicates that this missense variant is not expected to disrupt STXBP2 protein function with a negative predictive value of 95%. In summary, the available evidence is currently insufficient to determine the role of this variant in disease. Therefore, it has been classified as a Variant of Uncertain Significance.

NM_006949.4(STXBP2):c.1117A>G (p.Met373Val)

Gene: STXBP2 (syntaxin binding protein 2; plus strand). Cytogenetic location: 19p13.2.
Variant type: single nucleotide variant.
Coding change: c.1117A>G on transcript NM_006949.4 (MANE Select); coding-DNA position 1117, A replaced by G.
Protein change: p.Met373Val; replaces methionine 373 with valine.
Molecular consequence: missense variant. On other transcripts: non-coding transcript variant (1).
Genome position (GRCh38, 1-based): chr19:7,644,623, A>G. VCF-style: chr19-7644623-A-G. GRCh37 (hg19) VCF-style: chr19-7709509-A-G.
Other names: c.1108A>G, p.Met370Val (NM_001127396.3); c.1150A>G, p.Met384Val (NM_001272034.2); c.1021A>G, p.Met341Val (NM_001414484.1); short protein forms M341V, M384V, M373V, M370V.
Identifiers: ClinVar variation 2014327 (VCV002014327.3), dbSNP rs2512705801, ClinGen allele CA403161003.